The following is an entry in ClinVar:

Conditions:
Long QT syndrome 5 (LQT5). Identifiers: Orphanet 101016, Orphanet 768, MedGen C1867904, MONDO:0013372, OMIM 613695.

Submission:

Roden Lab, Vanderbilt University Medical Center
No classification provided (evidence only). Condition: Long QT syndrome 5. Review status: no classification provided. Collection method: in vitro. Allele origin: not applicable. Functional consequence: Effect on ion channel function.
ClinVar note: "not provided" was previously submitted as the classification for the variant. However, the classification appeared to be based only on an observation of functional data so it was converted to no classification on 2025-07-30.

NM_000219.6(KCNE1):c.119G>C (p.Gly40Ala)

Gene: KCNE1 (potassium voltage-gated channel subfamily E regulatory subunit 1; minus strand). Cytogenetic location: 21q22.12.
Variant type: single nucleotide variant.
Coding change: c.119G>C on transcript NM_000219.6 (MANE Select); coding-DNA position 119, G replaced by C.
Protein change: p.Gly40Ala; replaces glycine 40 with alanine.
Molecular consequence: missense variant.
Genome position (GRCh38, 1-based): chr21:34,449,516, C>G on the plus strand (G>C on the coding strand, the complement: KCNE1 is on the minus strand). VCF-style: chr21-34449516-C-G. GRCh37 (hg19) VCF-style: chr21-35821814-C-G.
Other names: c.119G>C, p.Gly40Ala (NM_001127668.4, NM_001127669.4, NM_001127670.4 and 4 more transcripts); short protein forms G40A.
Identifiers: ClinVar variation 3374094 (VCV003374094.2).
Genomic context (GRCh38, chr21:34,449,516, plus strand): 5'-CCCAGGGTGAAGAAGCCGAAGAATCCCAGTACCATGAGGACGTAGAGGGCCTCCAGCTTG[C>G]CGTCACTGCTGCGGGGGGACCTGCGGGCCAGGCCCGACATGTTGCCACCCTGCTGAACTG-3'
Protein context (NP_000210.2, residues 30-50): LARRSPRSSD[Gly40Ala]KLEALYVLMV